The following is an entry in ClinVar:

ClinVar aggregate classification (germline): Uncertain significance. Review status: criteria provided, multiple submitters, no conflicts (2 of 4 stars). 2 submissions from 2 submitters: Uncertain significance (2). Last evaluated 2023-02-14.

Conditions:
Hypertrophic cardiomyopathy. Also called: HYPERTROPHIC MYOCARDIOPATHY. Identifiers: Orphanet 217569, MedGen C0007194, MeSH D002312, MONDO:0005045, HP:0001639.
JPH2-related disorder. Also called: JPH2-related condition.

Allele frequency attached by ClinVar (database versions not stated): gnomAD 0.00001; TOPMed 0.00001.
gnomAD v4.1: 1 of 1,605,638 alleles (0.000062%); highest among the groups gnomAD compares: Non-Finnish European, 0.000085%; no homozygotes.

Submissions (2):

PreventionGenetics, part of Exact Sciences
Classification: Uncertain significance for JPH2-related condition. Last evaluated: 2023-02-14. Review status: criteria provided, single submitter. Criteria: ACMG Guidelines, 2015. Collection method: clinical testing. Allele origin: germline.
Comment: The JPH2 c.833C>G variant is predicted to result in the amino acid substitution p.Pro278Arg. To our knowledge, this variant has not been reported in the literature or in a large population database, indicating this variant is rare. At this time, the clinical significance of this variant is uncertain due to the absence of conclusive functional and genetic evidence.

Labcorp Genetics (formerly Invitae), Labcorp
Classification: Uncertain significance for Hypertrophic cardiomyopathy. Last evaluated: 2020-10-15. Review status: criteria provided, single submitter. Criteria: Invitae Variant Classification Sherloc (09022015). Collection method: clinical testing. Allele origin: germline.
Comment: This sequence change replaces proline with arginine at codon 278 of the JPH2 protein (p.Pro278Arg). The proline residue is highly conserved and there is a moderate physicochemical difference between proline and arginine. In summary, the available evidence is currently insufficient to determine the role of this variant in disease. Therefore, it has been classified as a Variant of Uncertain Significance. Algorithms developed to predict the effect of missense changes on protein structure and function are either unavailable or do not agree on the potential impact of this missense change (SIFT: "Tolerated"; PolyPhen-2: "Probably Damaging"; Align-GVGD: "Class C0"). This variant has not been reported in the literature in individuals with JPH2-related conditions. This variant is not present in population databases (ExAC no frequency).

NM_020433.5(JPH2):c.833C>G (p.Pro278Arg)

Gene: JPH2 (junctophilin 2; minus strand). Cytogenetic location: 20q13.12.
Variant type: single nucleotide variant.
Coding change: c.833C>G on transcript NM_020433.5 (MANE Select); coding-DNA position 833, C replaced by G.
Protein change: p.Pro278Arg; replaces proline 278 with arginine.
Molecular consequence: missense variant.
Genome position (GRCh38, 1-based): chr20:44,159,954, G>C on the plus strand (C>G on the coding strand, the complement: JPH2 is on the minus strand). VCF-style: chr20-44159954-G-C. GRCh37 (hg19) VCF-style: chr20-42788594-G-C.
Other names: c.833C>G (NM_020433.4); short protein forms P278R.
Identifiers: ClinVar variation 1010150 (VCV001010150.9), dbSNP rs1226206290, ClinGen allele CA409093577.